The following is an entry in ClinVar:

ClinVar aggregate classification (germline): Uncertain significance. Review status: criteria provided, multiple submitters, no conflicts (2 of 4 stars). 2 submissions from 2 submitters: Uncertain significance (2). Last evaluated 2023-10-13.

Allele frequency attached by ClinVar (database versions not stated): ExAC 0.00001; gnomAD exomes 0.00001; gnomAD 0.00002 and 0.00003; TOPMed 0.00003.
gnomAD v4.1: 9 of 1,613,850 alleles (0.00056%); highest among the groups gnomAD compares: African/African-American, 0.0053%; no homozygotes.

Submissions (2):

Labcorp Genetics (formerly Invitae), Labcorp
Classification: Uncertain significance. Last evaluated: 2023-10-13. Review status: criteria provided, single submitter. Criteria: Invitae Variant Classification Sherloc (09022015). Collection method: clinical testing. Allele origin: germline.
Comment: This sequence change replaces glycine, which is neutral and non-polar, with serine, which is neutral and polar, at codon 57 of the CD46 protein (p.Gly57Ser). This variant is present in population databases (rs777966042, gnomAD 0.006%). This variant has not been reported in the literature in individuals affected with CD46-related conditions. ClinVar contains an entry for this variant (Variation ID: 1163187). Advanced modeling of protein sequence and biophysical properties (such as structural, functional, and spatial information, amino acid conservation, physicochemical variation, residue mobility, and thermodynamic stability) has been performed at Invitae for this missense variant, however the output from this modeling did not meet the statistical confidence thresholds required to predict the impact of this variant on CD46 protein function. In summary, the available evidence is currently insufficient to determine the role of this variant in disease. Therefore, it has been classified as a Variant of Uncertain Significance.

Mayo Clinic Laboratories, Mayo Clinic
Classification: Uncertain significance. Last evaluated: 2020-04-14. Review status: criteria provided, single submitter. Criteria: ACMG Guidelines, 2015. Collection method: clinical testing. Allele origin: germline. Observed: 1 variant allele.

NM_172351.3(CD46):c.169G>A (p.Gly57Ser)

Gene: CD46 (CD46 molecule; plus strand). Cytogenetic location: 1q32.2.
Variant type: single nucleotide variant.
Coding change: c.169G>A on transcript NM_172351.3 (MANE Select); coding-DNA position 169, G replaced by A.
Protein change: p.Gly57Ser; replaces glycine 57 with serine.
Molecular consequence: missense variant.
Genome position (GRCh38, 1-based): chr1:207,757,085, G>A. VCF-style: chr1-207757085-G-A. GRCh37 (hg19) VCF-style: chr1-207930430-G-A.
Other names: c.169G>A, p.Gly57Ser (NM_002389.4, NM_153826.4, NM_172350.3 and 8 more transcripts); short protein forms G57S.
Identifiers: ClinVar variation 1163187 (VCV001163187.12), dbSNP rs777966042, ClinGen allele CA1371551.